The following is an entry in ClinVar:

ClinVar aggregate classification (germline): Uncertain significance. Review status: criteria provided, multiple submitters, no conflicts (2 of 4 stars). 2 submissions from 2 submitters: Uncertain significance (2). Last evaluated 2025-03-11.

Conditions:
Cystic fibrosis (CF). Also called: MUCOVISCIDOSIS. Identifiers: Orphanet 586, MedGen C0010674, MONDO:0009061, OMIM 219700. Disease mechanism: loss of function.
CFTR-related disorder (CFTR-RD). Also called: CFTR-related disorders; CFTR-related condition. Identifiers: MedGen C5924204, MONDO:7770004.

gnomAD v4.1: 1 of 1,605,434 alleles (0.000062%); highest among the groups gnomAD compares: Non-Finnish European, 0.000085%; no homozygotes.

Submissions (2):

PreventionGenetics, part of Exact Sciences
Classification: Uncertain significance for CFTR-related condition. Last evaluated: 2025-03-11. Review status: criteria provided, single submitter. Criteria: ACMG Guidelines, 2015. Collection method: clinical testing. Allele origin: germline.
Comment: The CFTR c.2267G>T variant is predicted to result in the amino acid substitution p.Ser756Ile. To our knowledge, this variant has not been reported in the literature or in a large population database (gnomAD), indicating this variant is rare. At this time, the clinical significance of this variant is uncertain due to the absence of conclusive functional and genetic evidence.

Ambry Genetics
Classification: Uncertain significance for Cystic fibrosis. Last evaluated: 2015-09-04. Review status: criteria provided, single submitter. Criteria: Ambry Variant Classification Scheme 2023. Collection method: clinical testing. Allele origin: germline.
Comment: The p.S756I variant (also known as c.2267G>T), located in coding exon 14 of the CFTR gene, results from a G to T substitution at nucleotide position 2267. The serine at codon 756 is replaced by isoleucine, an amino acid with dissimilar properties. This variant was not reported in population based cohorts in the following databases: Database of Single Nucleotide Polymorphisms (dbSNP), NHLBI Exome Sequencing Project (ESP), and 1000 Genomes Project. In the ESP, this variant was not observed in 6503 samples (13006 alleles) with coverage at this position. This amino acid position is poorly conserved in available vertebrate species. In addition, the in silico prediction for this alteration is inconclusive. Since supporting evidence is limited at this time, the clinical significance of this variant remains unclear.

NM_000492.4(CFTR):c.2267G>T (p.Ser756Ile)

Gene: CFTR (CF transmembrane conductance regulator; plus strand). Cytogenetic location: 7q31.2.
Variant type: single nucleotide variant.
Coding change: c.2267G>T on transcript NM_000492.4 (MANE Select); coding-DNA position 2267, G replaced by T.
Protein change: p.Ser756Ile; replaces serine 756 with isoleucine.
Molecular consequence: missense variant.
Genome position (GRCh38, 1-based): chr7:117,592,434, G>T. VCF-style: chr7-117592434-G-T. GRCh37 (hg19) VCF-style: chr7-117232488-G-T.
Other names: short protein forms S756I.
Identifiers: ClinVar variation 1788713 (VCV001788713.3), dbSNP rs2485110402, ClinGen allele CA368980738.